The following is an entry in ClinVar:

ClinVar aggregate classification (germline): Conflicting classifications of pathogenicity. Review status: criteria provided, conflicting classifications (1 of 4 stars). 2 submissions from 2 submitters: Uncertain significance (1); Likely benign (1). Last evaluated 2024-11-25.

Conditions:
ARID1A-related disorder. Also called: ARID1A-related condition.

Allele frequency attached by ClinVar (database versions not stated): gnomAD exomes 0.00003 and 0.00018; TOPMed 0.00004.

Submissions (2):

PreventionGenetics, part of Exact Sciences
Classification: Likely benign for ARID1A-related condition. Last evaluated: 2024-11-25. Review status: criteria provided, single submitter. Criteria: ACMG Guidelines, 2015. Collection method: clinical testing. Allele origin: germline.
Comment: This variant is classified as likely benign based on ACMG/AMP sequence variant interpretation guidelines (Richards et al. 2015 PMID: 25741868, with internal and published modifications).

Genetic Services Laboratory, University of Chicago
Classification: Uncertain significance. Last evaluated: 2016-06-21. Review status: criteria provided, single submitter. Criteria: ACMG Guidelines, 2015. Collection method: clinical testing. Allele origin: germline. Affected: no.

NM_006015.6(ARID1A):c.-7G>T

Gene: ARID1A (AT-rich interaction domain 1A; plus strand). Cytogenetic location: 1p36.11.
Variant type: single nucleotide variant.
Coding change: c.-7G>T on transcript NM_006015.6 (MANE Select); 7 bases upstream of the start codon, G replaced by T.
Molecular consequence: 5 prime UTR variant.
Genome position (GRCh38, 1-based): chr1:26,696,397, G>T. VCF-style: chr1-26696397-G-T. GRCh37 (hg19) VCF-style: chr1-27022888-G-T.
Other names: c.-7G>T (LRG_875t1, NM_139135.4).
Identifiers: ClinVar variation 434310 (VCV000434310.7), dbSNP rs1421881390, ClinGen allele CA521909918.
Genomic context (GRCh38, chr1:26,696,397, plus strand): 5'-CGGGGTGGGAGGGGGGGAGAAGACGAAGACAGGGCCGGGTCTCTCCGCGGACGAGACAGC[G>T]GGGATCATGGCCGCGCAGGTCGCCCCCGCCGCCGCCAGCAGCCTGGGCAACCCGCCGCCG-3'